The following is an entry in ClinVar:

ClinVar aggregate classification (germline): Likely benign (1 of 4 stars; one submission).

Allele frequency attached by ClinVar (database versions not stated): gnomAD exomes below 0.00001; ExAC 0.00001.
gnomAD v4.1: 6 of 1,611,962 alleles (0.00037%); highest among the groups gnomAD compares: Non-Finnish European, 0.00051%; no homozygotes.

Submission:

GeneDx
Classification: Likely benign. Last evaluated: 2017-12-20. Review status: criteria provided, single submitter. Criteria: GeneDx Variant Classification (06012015). Collection method: clinical testing. Allele origin: germline. Affected: yes.
Comment: This variant is considered likely benign or benign based on one or more of the following criteria: it is a conservative change, it occurs at a poorly conserved position in the protein, it is predicted to be benign by multiple in silico algorithms, and/or has population frequency not consistent with disease.

NM_020297.4(ABCC9):c.4102+17A>T

Genes: ABCC9 (ATP binding cassette subfamily C member 9; minus strand), KCNJ8-AS1 (KCNJ8 antisense RNA 1; plus strand). Cytogenetic location: 12p12.1.
Variant type: single nucleotide variant.
Coding change: c.4102+17A>T on transcript NM_020297.4 (MANE Select); 17 bases into the intron after coding-DNA position 4102, A replaced by T.
Molecular consequence: intron variant.
Genome position (GRCh38, 1-based): chr12:21,814,627, T>A on the plus strand (A>T on the coding strand, the complement: ABCC9 is on the minus strand). VCF-style: chr12-21814627-T-A. GRCh37 (hg19) VCF-style: chr12-21967561-T-A.
Other names: c.3235+17A>T (NM_001377274.1); c.4102+17A>T (NM_005691.4, NM_001377273.1).
Identifiers: ClinVar variation 514160 (VCV000514160.1), dbSNP rs761888147, ClinGen allele CA6480946.